The following is an entry in ClinVar:

NM_005068.3(SIM1):c.2158C>G (p.His720Asp)

Gene: SIM1 (SIM bHLH transcription factor 1; minus strand). Cytogenetic location: 6q16.3.
Variant type: single nucleotide variant.
Coding change: c.2158C>G on transcript NM_005068.3 (MANE Select); coding-DNA position 2158, C replaced by G.
Protein change: p.His720Asp; replaces histidine 720 with aspartic acid.
Molecular consequence: missense variant.
Genome position (GRCh38, 1-based): chr6:100,390,504, G>C on the plus strand (C>G on the coding strand, the complement: SIM1 is on the minus strand). VCF-style: chr6-100390504-G-C. GRCh37 (hg19) VCF-style: chr6-100838380-G-C.
Other names: c.2158C>G, p.His720Asp (NM_001374769.1); short protein forms H720D.
Identifiers: ClinVar variation 2634416 (VCV002634416.2), dbSNP rs1256722978, ClinGen allele CA365297542.

ClinVar aggregate classification (germline): Uncertain significance (0 of 4 stars; one submission).

Conditions:
SIM1-related disorder. Also called: SIM1-related condition; SIM1-related disorders.

Allele frequency attached by ClinVar (database versions not stated): TOPMed below 0.00001.
gnomAD v4.1: 4 of 1,614,132 alleles (0.00025%); highest among the groups gnomAD compares: Admixed American, 0.0067%; no homozygotes.

Submission:

PreventionGenetics, part of Exact Sciences
Classification: Uncertain significance for SIM1-related condition. Last evaluated: 2024-08-16. Review status: no assertion criteria provided. Collection method: clinical testing. Allele origin: germline.
Comment: The SIM1 c.2158C>G variant is predicted to result in the amino acid substitution p.His720Asp. To our knowledge, this variant has not been reported in the literature. This variant is reported in 0.012% of alleles in individuals of Latino descent in gnomAD. At this time, the clinical significance of this variant is uncertain due to the absence of conclusive functional and genetic evidence.